The following is an entry in ClinVar:

ClinVar aggregate classification (germline): Uncertain significance (1 of 4 stars; one submission).

Conditions:
Neurofibromatosis, type 1 (NF1). Also called: NEUROFIBROMATOSIS, TYPE I, SOMATIC; Peripheral type neurofibromatosis; Neurofibromatosis, type I; VON RECKLINGHAUSEN DISEASE. Identifiers: Orphanet 636, MedGen C0027831, MONDO:0018975, OMIM 162200. Disease mechanism: loss of function.

Submission:

Labcorp Genetics (formerly Invitae), Labcorp
Classification: Uncertain significance for Neurofibromatosis, type 1. Last evaluated: 2016-12-24. Review status: criteria provided, single submitter. Criteria: Invitae Variant Classification Sherloc (09022015). Collection method: clinical testing. Allele origin: germline.
Comment: This variant is a gross duplication of the genomic region encompassing exon 57 of the NF1 gene. The 5' boundary is likely confined to intron 56. The 3' end of this event is unknown as it extends beyond the assayed region for this gene and therefore may encompass additional genes. While the exact position of the duplicated exon cannot be determined from this data, the duplicated copy of this region is likely in tandem and in-frame, therefore preserving the integrity of the reading frame. This variant has not been reported in the literature in individuals with an NF1-related disease. Experimental studies and prediction algorithms are not available for this variant, and the functional significance of the duplicated amino acids is currently unknown. In summary, the exact genomic location of this variant is unknown and the impact of this duplication on NF1 protein function has not been established. Therefore, it has been classified as a Variant of Unknown Significance.

NC_000017.10:g.(?_29701031)_(29704695_?)dup

Gene: NF1 (neurofibromin 1; plus strand). Cytogenetic location: 17q11.2.
Variant type: Duplication.
Identifiers: ClinVar variation 417333 (VCV000417333.1).